The following is an entry in ClinVar:

NM_003011.4(SET):c.280G>C (p.Ala94Pro)

Gene: SET (SET nuclear proto-oncogene; plus strand). Cytogenetic location: 9q34.11.
Variant type: single nucleotide variant.
Coding change: c.280G>C on transcript NM_003011.4 (MANE Select); coding-DNA position 280, G replaced by C.
Protein change: p.Ala94Pro; replaces alanine 94 with proline.
Molecular consequence: missense variant.
Genome position (GRCh38, 1-based): chr9:128,692,667, G>C. VCF-style: chr9-128692667-G-C. GRCh37 (hg19) VCF-style: chr9-131454946-G-C.
Other names: c.319G>C, p.Ala107Pro (NM_001122821.2, NM_001374326.1); c.253G>C, p.Ala85Pro (NM_001248000.2); c.247G>C, p.Ala83Pro (NM_001248001.2); short protein forms A107P, A83P, A85P, A94P.
Identifiers: ClinVar variation 100826 (VCV000100826.2), dbSNP rs483352707, ClinGen allele CA229075.

ClinVar aggregate classification (germline): Uncertain significance. Review status: no assertion criteria provided (0 of 4 stars). 2 submissions from 1 submitter: Uncertain significance (1). 1 of the submissions does not count toward it.

Submissions (2):

Richard Lifton Laboratory, Yale University School of Medicine
Classification: Uncertain significance. Review status: no assertion criteria provided. Collection method: not provided. Allele origin: somatic.
Comment: SET:p.A107P
ClinVar note: Converted during submission from unknown to Uncertain significance.

Richard Lifton Laboratory, Yale University School of Medicine
Classification: Uncertain significance. Review status: flagged submission. Collection method: not provided. Allele origin: somatic. Not counted in ClinVar's aggregate classification.
ClinVar note: Converted during submission from unknown to Uncertain significance.
ClinVar note: Reason: This record appears to be redundant with a more recent record from the same submitter.
ClinVar note: Notes: SCV000120046 appears to be redundant with SCV000155149.